The following is an entry in ClinVar:

ClinVar aggregate classification (germline): Uncertain significance (1 of 4 stars; one submission).

Conditions:
Ehlers-Danlos syndrome, type 4 (EDSVASC). Also called: Ehlers-Danlos Syndrome Type IV; Ehlers-Danlos syndrome vascular type; Ehlers Danlos syndrome, ecchymotic type; Ehlers Danlos syndrome, arterial type; Ehlers Danlos syndrome, Sack-Barabas type. Identifiers: Orphanet 286, MedGen C0268338, MONDO:0017314, OMIM 130050.

gnomAD v4.1: 4 of 1,613,614 alleles (0.00025%); highest among the groups gnomAD compares: Non-Finnish European, 0.00017%; no homozygotes.

Submission:

All of Us Research Program, National Institutes of Health
Classification: Uncertain significance for Ehlers-Danlos syndrome, type 4. Last evaluated: 2023-05-04. Review status: criteria provided, single submitter. Criteria: ACMG Guidelines, 2015. Collection method: clinical testing. Allele origin: germline. Inheritance: Autosomal dominant inheritance. Observed: 1 variant allele, 1 heterozygote.
Comment: This missense variant replaces proline with threonine at codon 634 of the COL3A1 protein. Computational prediction suggests that this variant may not impact protein structure and function (internally defined REVEL score threshold <= 0.5, PMID: 27666373). To our knowledge, functional studies have not been reported for this variant. This variant has not been reported in individuals affected with COL3A1-related disorders in the literature. This variant has not been identified in the general population by the Genome Aggregation Database (gnomAD). The available evidence is insufficient to determine the role of this variant in disease conclusively. Therefore, this variant is classified as a Variant of Uncertain Significance.

This study involves interpretation of variants in research participants for the purpose of population health screening. Participant phenotype was not available at the time of variant classification. Additional details can be found in publication PMID: 35346344, PMCID: PMC8962531

NM_000090.4(COL3A1):c.1900C>A (p.Pro634Thr)

Gene: COL3A1 (collagen type III alpha 1 chain; plus strand). Cytogenetic location: 2q32.2.
Variant type: single nucleotide variant.
Coding change: c.1900C>A on transcript NM_000090.4 (MANE Select); coding-DNA position 1900, C replaced by A.
Protein change: p.Pro634Thr; replaces proline 634 with threonine.
Molecular consequence: missense variant.
Genome position (GRCh38, 1-based): chr2:188,997,730, C>A. VCF-style: chr2-188997730-C-A. GRCh37 (hg19) VCF-style: chr2-189862456-C-A.
Other names: short protein forms P634T.
Identifiers: ClinVar variation 3070873 (VCV003070873.1), dbSNP rs762129273, ClinGen allele CA349853758.